The following is an entry in ClinVar:

NM_004320.6(ATP2A1):c.1300T>C (p.Tyr434His)

Gene: ATP2A1 (ATPase sarcoplasmic/endoplasmic reticulum Ca2+ transporting 1; plus strand). Cytogenetic location: 16p11.2.
Variant type: single nucleotide variant.
Coding change: c.1300T>C on transcript NM_004320.6 (MANE Select); coding-DNA position 1300, T replaced by C.
Protein change: p.Tyr434His; replaces tyrosine 434 with histidine.
Molecular consequence: missense variant.
Genome position (GRCh38, 1-based): chr16:28,894,834, T>C. VCF-style: chr16-28894834-T-C. GRCh37 (hg19) VCF-style: chr16-28906155-T-C.
Other names: c.925T>C, p.Tyr309His (NM_001286075.2); c.1300T>C, p.Tyr434His (NM_173201.5); short protein forms Y309H, Y434H.
Identifiers: ClinVar variation 844097 (VCV000844097.8), dbSNP rs947362423, ClinGen allele CA279236189.

ClinVar aggregate classification (germline): Uncertain significance. Review status: criteria provided, multiple submitters, no conflicts (2 of 4 stars). 2 submissions from 2 submitters: Uncertain significance (2). Last evaluated 2024-01-03.

Conditions:
Brody myopathy. Also called: BRODY DISEASE. Identifiers: Orphanet 53347, MedGen C1832918, MONDO:0010977, OMIM 601003.
Inborn genetic diseases. Identifiers: MedGen C0950123, MeSH D030342.

Allele frequency attached by ClinVar (database versions not stated): gnomAD exomes 0.00001 and 0.00003; TOPMed 0.00002.
gnomAD v4.1: 40 of 1,606,690 alleles (0.0025%); highest among the groups gnomAD compares: Non-Finnish European, 0.0033%; no homozygotes.

Submissions (2):

Ambry Genetics
Classification: Uncertain significance for Inborn genetic diseases. Last evaluated: 2024-01-03. Review status: criteria provided, single submitter. Criteria: Ambry Variant Classification Scheme 2023. Collection method: clinical testing. Allele origin: germline.

Labcorp Genetics (formerly Invitae), Labcorp
Classification: Uncertain significance for Brody myopathy. Last evaluated: 2022-08-16. Review status: criteria provided, single submitter. Criteria: Invitae Variant Classification Sherloc (09022015). Collection method: clinical testing. Allele origin: germline.
Comment: This variant has not been reported in the literature in individuals affected with ATP2A1-related conditions. In summary, the available evidence is currently insufficient to determine the role of this variant in disease. Therefore, it has been classified as a Variant of Uncertain Significance. Algorithms developed to predict the effect of missense changes on protein structure and function are either unavailable or do not agree on the potential impact of this missense change (SIFT: "Deleterious"; PolyPhen-2: "Probably Damaging"; Align-GVGD: "Class C0"). ClinVar contains an entry for this variant (Variation ID: 844097). The frequency data for this variant in the population databases is considered unreliable, as metrics indicate poor data quality at this position in the gnomAD database. This sequence change replaces tyrosine, which is neutral and polar, with histidine, which is basic and polar, at codon 434 of the ATP2A1 protein (p.Tyr434His).